The following is an entry in ClinVar:

ClinVar aggregate classification (germline): Likely benign (0 of 4 stars; one submission).

Conditions:
HPSE-related disorder. Also called: HPSE-related condition.

Allele frequency attached by ClinVar (database versions not stated): 1000 Genomes Project 0.00120; 1000 Genomes Project 30x 0.00125; TOPMed 0.00328; ESP Exome Variant Server 0.00415; ExAC 0.00478.
gnomAD v4.1: 9,001 of 1,613,758 alleles (0.56%); highest among the groups gnomAD compares: Non-Finnish European, 0.65%; 38 homozygotes.

Submission:

PreventionGenetics, part of Exact Sciences
Classification: Likely benign for HPSE-related condition. Last evaluated: 2020-02-11. Review status: no assertion criteria provided. Collection method: clinical testing. Allele origin: germline.
Comment: This variant is classified as likely benign based on ACMG/AMP sequence variant interpretation guidelines (Richards et al. 2015 PMID: 25741868, with internal and published modifications).

NM_001098540.3(HPSE):c.707T>G (p.Phe236Cys)

Gene: HPSE (heparanase; minus strand). Cytogenetic location: 4q21.23.
Variant type: single nucleotide variant.
Coding change: c.707T>G on transcript NM_001098540.3 (MANE Select); coding-DNA position 707, T replaced by G.
Protein change: p.Phe236Cys; replaces phenylalanine 236 with cysteine.
Molecular consequence: missense variant.
Genome position (GRCh38, 1-based): chr4:83,310,857, A>C on the plus strand (T>G on the coding strand, the complement: HPSE is on the minus strand). VCF-style: chr4-83310857-A-C. GRCh37 (hg19) VCF-style: chr4-84232010-A-C.
Other names: c.707T>G, p.Phe236Cys (NM_001166498.3, NM_006665.6); c.533T>G, p.Phe178Cys (NM_001199830.1); short protein forms F178C, F236C.
Identifiers: ClinVar variation 3042248 (VCV003042248.2), dbSNP rs61755719, ClinGen allele CA2989037.
Genomic context (GRCh38, chr4:83,310,857, plus strand): 5'-GACTTTCTTAGAAGTTTATGCAATTGAATAAAATCTTCTCCTAACTGCGACCCATTGATG[A>C]AAATATCAGCCTTCTTAAGGAAACTGTTAGGTTCTGAAAGACAGCAATTCTCAAAATATA-3'
Protein context (NP_001092010.1, residues 226-246): PNSFLKKADI[Phe236Cys]INGSQLGEDF